The following is an entry in ClinVar:

ClinVar aggregate classification (germline): Uncertain significance (1 of 4 stars; one submission).

Submission:

Labcorp Genetics (formerly Invitae), Labcorp
Classification: Uncertain significance. Last evaluated: 2025-02-19. Review status: criteria provided, single submitter. Criteria: Invitae Variant Classification Sherloc (09022015). Collection method: clinical testing. Allele origin: germline.
Comment: This sequence change replaces glutamic acid, which is acidic and polar, with glutamine, which is neutral and polar, at codon 1807 of the MCM3AP protein (p.Glu1807Gln). This variant is not present in population databases (gnomAD no frequency). This variant has not been reported in the literature in individuals affected with MCM3AP-related conditions. An algorithm developed to predict the effect of missense changes on protein structure and function outputs the following: PolyPhen-2: "Benign". The glutamine amino acid residue is found in multiple mammalian species, which suggests that this missense change does not adversely affect protein function. In summary, the available evidence is currently insufficient to determine the role of this variant in disease. Therefore, it has been classified as a Variant of Uncertain Significance.

NM_003906.5(MCM3AP):c.5419G>C (p.Glu1807Gln)

Genes: MCM3AP-AS1 (MCM3AP antisense RNA 1; plus strand), MCM3AP (minichromosome maintenance complex component 3 associated protein; minus strand). Cytogenetic location: 21q22.3.
Variant type: single nucleotide variant.
Coding change: c.5419G>C on transcript NM_003906.5 (MANE Select); coding-DNA position 5419, G replaced by C.
Protein change: p.Glu1807Gln; replaces glutamic acid 1807 with glutamine.
Molecular consequence: missense variant. On other transcripts: non-coding transcript variant (2).
Genome position (GRCh38, 1-based): chr21:46,242,809, C>G on the plus strand (G>C on the coding strand, the complement: MCM3AP is on the minus strand). VCF-style: chr21-46242809-C-G. GRCh37 (hg19) VCF-style: chr21-47662723-C-G.
Other names: short protein forms E1807Q.
Identifiers: ClinVar variation 4798955 (VCV004798955.1).